The following is an entry in ClinVar:

NM_001378457.1(DMXL2):c.1061C>G (p.Ala354Gly)

Gene: DMXL2 (Dmx like 2; minus strand). Cytogenetic location: 15q21.2.
Variant type: single nucleotide variant.
Coding change: c.1061C>G on transcript NM_001378457.1 (MANE Select); coding-DNA position 1061, C replaced by G.
Protein change: p.Ala354Gly; replaces alanine 354 with glycine.
Molecular consequence: missense variant. On other transcripts: non-coding transcript variant (2).
Genome position (GRCh38, 1-based): chr15:51,542,377, G>C on the plus strand (C>G on the coding strand, the complement: DMXL2 is on the minus strand). VCF-style: chr15-51542377-G-C. GRCh37 (hg19) VCF-style: chr15-51834574-G-C.
Other names: c.1061C>G, p.Ala354Gly (NM_001174116.3, NM_001174117.3, NM_001378458.1 and 7 more transcripts); short protein forms A354G.
Identifiers: ClinVar variation 2573925 (VCV002573925.1), dbSNP rs901349844, ClinGen allele CA392468504.
Genomic context (GRCh38, chr15:51,542,377, plus strand): 5'-AAACTTTATCCTTTACCTGTGGCAGGGTTGATGCTTGCTGCAATATGAAAATGACAGAGT[G>C]CATTTGCATGGTGGGAAATGTGTCTTTGAACTTCATGCATTGCTGTCTGGTCGGGCATTA-3'
Protein context (NP_001365386.1, residues 344-364): VQRHISHHAN[Ala354Gly]LCHFHIAASI

ClinVar aggregate classification (germline): Uncertain significance (1 of 4 stars; one submission).

Submission:

GeneDx
Classification: Uncertain significance. Last evaluated: 2023-01-23. Review status: criteria provided, single submitter. Criteria: GeneDx Variant Classification Process June 2021. Collection method: clinical testing. Allele origin: germline. Affected: yes.
Comment: Not observed at significant frequency in large population cohorts (gnomAD); In silico analysis supports that this missense variant does not alter protein structure/function; Has not been previously published as pathogenic or benign to our knowledge